The following is an entry in ClinVar:

ClinVar aggregate classification (germline): Uncertain significance (1 of 4 stars; one submission).

Conditions:
Combined immunodeficiency due to LRBA deficiency. Also called: Common variable immunodeficiency 8, with autoimmunity. Identifiers: Orphanet 445018, MedGen C3553512, MONDO:0013863, OMIM 614700.

gnomAD v4.1: 6 of 1,614,096 alleles (0.00037%); highest among the groups gnomAD compares: East Asian, 0.013%; no homozygotes.

Submission:

Labcorp Genetics (formerly Invitae), Labcorp
Classification: Uncertain significance for Combined immunodeficiency due to LRBA deficiency. Last evaluated: 2019-09-30. Review status: criteria provided, single submitter. Criteria: Invitae Variant Classification Sherloc (09022015). Collection method: clinical testing. Allele origin: germline.
Comment: This variant is not present in population databases (ExAC no frequency). This sequence change replaces aspartic acid with valine at codon 1657 of the LRBA protein (p.Asp1657Val). The aspartic acid residue is weakly conserved and there is a large physicochemical difference between aspartic acid and valine. This variant has not been reported in the literature in individuals with LRBA-related conditions. In summary, the available evidence is currently insufficient to determine the role of this variant in disease. Therefore, it has been classified as a Variant of Uncertain Significance. Algorithms developed to predict the effect of missense changes on protein structure and function are either unavailable or do not agree on the potential impact of this missense change (SIFT: "Deleterious"; PolyPhen-2: "Benign"; Align-GVGD: "Class C0").

NM_001364905.1(LRBA):c.4970A>T (p.Asp1657Val)

Gene: LRBA (LPS responsive beige-like anchor protein; minus strand). Cytogenetic location: 4q31.3.
Variant type: single nucleotide variant.
Coding change: c.4970A>T on transcript NM_001364905.1 (MANE Select); coding-DNA position 4970, A replaced by T.
Protein change: p.Asp1657Val; replaces aspartic acid 1657 with valine.
Molecular consequence: missense variant.
Genome position (GRCh38, 1-based): chr4:150,828,381, T>A on the plus strand (A>T on the coding strand, the complement: LRBA is on the minus strand). VCF-style: chr4-150828381-T-A. GRCh37 (hg19) VCF-style: chr4-151749533-T-A.
Other names: c.4970A>T, p.Asp1657Val (NM_001199282.3, NM_001367550.1, NM_006726.5); short protein forms D1657V.
Identifiers: ClinVar variation 939625 (VCV000939625.7), dbSNP rs1191459379, ClinGen allele CA358443860.